The following is an entry in ClinVar:

NM_000264.5(PTCH1):c.1308C>A (p.Asp436Glu)

Gene: PTCH1 (patched 1; minus strand). Cytogenetic location: 9q22.32.
Variant type: single nucleotide variant.
Coding change: c.1308C>A on transcript NM_000264.5 (MANE Select); coding-DNA position 1308, C replaced by A.
Protein change: p.Asp436Glu; replaces aspartic acid 436 with glutamic acid.
Molecular consequence: missense variant. On other transcripts: non-coding transcript variant (1).
Genome position (GRCh38, 1-based): chr9:95,478,094, G>T on the plus strand (C>A on the coding strand, the complement: PTCH1 is on the minus strand). VCF-style: chr9-95478094-G-T. GRCh37 (hg19) VCF-style: chr9-98240376-G-T.
Other names: c.855C>A, p.Asp285Glu (NM_001083606.3, NM_001083607.3, NM_001083604.3 and 1 more transcripts); c.1308C>A, p.Asp436Glu (NM_001354918.2); c.1110C>A, p.Asp370Glu (NM_001083602.3); c.1305C>A, p.Asp435Glu (NM_001083603.3); short protein forms D370E, D436E, D285E, D435E.
Identifiers: ClinVar variation 428834 (VCV000428834.14), dbSNP rs148471237, ClinGen allele CA5138705.
Genomic context (GRCh38, chr9:95,478,094, plus strand): 5'-GAGCATGGCATCGAGCGTTACCATGAGTAAGTAGCCGCTGGCCACGCGGATGACACTGAC[G>T]TCAGAGAAGGATTTCAGGATGTCGTCCAGGGTCGTGGTGGTGAAGGAAAGCACCTTTTGA-3'
Protein context (NP_000255.2, residues 426-446): TLDDILKSFS[Asp436Glu]VSVIRVASGY

ClinVar aggregate classification (germline): Conflicting classifications of pathogenicity. Review status: criteria provided, conflicting classifications (1 of 4 stars). 3 submissions from 3 submitters: Uncertain significance (1); Likely benign (2). Last evaluated 2025-10-25.

Conditions:
Gorlin syndrome. Also called: Nevoid Basal Cell Carcinoma Syndrome; Basal cell nevus syndrome. Identifiers: Orphanet 377, MedGen C0004779, MONDO:0007187.
Hereditary cancer-predisposing syndrome. Also called: Hereditary neoplastic syndrome; Tumor predisposition; Neoplastic Syndromes, Hereditary; Hereditary Cancer Syndrome. Identifiers: Orphanet 140162, MedGen C0027672, MeSH D009386, MONDO:0015356.

Allele frequency attached by ClinVar (database versions not stated): TOPMed 0.00001.
gnomAD v4.1: 5 of 1,614,174 alleles (0.00031%); highest among the groups gnomAD compares: African/African-American, 0.004%; no homozygotes.

Submissions (3):

Labcorp Genetics (formerly Invitae), Labcorp
Classification: Likely benign for Gorlin syndrome. Last evaluated: 2025-10-25. Review status: criteria provided, single submitter. Criteria: Invitae Variant Classification Sherloc (09022015). Collection method: clinical testing. Allele origin: germline.

GeneDx
Classification: Uncertain significance. Last evaluated: 2024-01-31. Review status: criteria provided, single submitter. Criteria: GeneDx Variant Classification Process June 2021. Collection method: clinical testing. Allele origin: germline. Affected: yes.
Comment: In silico analysis supports that this missense variant does not alter protein structure/function; Has not been previously published as pathogenic or benign to our knowledge; This variant is associated with the following publications: (PMID: 8906794)

Ambry Genetics
Classification: Likely benign for Hereditary cancer-predisposing syndrome. Last evaluated: 2015-07-06. Review status: criteria provided, single submitter. Criteria: Ambry Variant Classification Scheme 2023. Collection method: clinical testing. Allele origin: germline.